The following is an entry in ClinVar:

ClinVar aggregate classification (germline): Conflicting classifications of pathogenicity. Review status: criteria provided, conflicting classifications (1 of 4 stars). 2 submissions from 2 submitters: Uncertain significance (1); Likely benign (1). Last evaluated 2025-12-01.

Conditions:
Cardiovascular phenotype. Identifiers: MedGen CN230736.

gnomAD v4.1: 12 of 1,613,024 alleles (0.00074%); highest among the groups gnomAD compares: Middle Eastern, 0.017%; no homozygotes.

Submissions (2):

CeGaT Center for Human Genetics Tuebingen
Classification: Likely benign. Last evaluated: 2025-12-01. Review status: criteria provided, single submitter. Criteria: CeGaT Center For Human Genetics Tuebingen Variant Classification Criteria Version 2. Collection method: clinical testing. Allele origin: germline. Affected: yes. Observed: 1 variant allele.
Comment: TNXB: BP4

Ambry Genetics
Classification: Uncertain significance for Cardiovascular phenotype. Last evaluated: 2025-03-23. Review status: criteria provided, single submitter. Criteria: Ambry Variant Classification Scheme 2023. Collection method: clinical testing. Allele origin: germline.
Comment: The p.G1824V variant (also known as c.5471G>T), located in coding exon 14 of the TNXB gene, results from a G to T substitution at nucleotide position 5471. The glycine at codon 1824 is replaced by valine, an amino acid with dissimilar properties. This amino acid position is conserved. In addition, the in silico prediction for this alteration is inconclusive. Based on the available evidence, the clinical significance of this variant remains unclear.

NM_001365276.2(TNXB):c.5471G>T (p.Gly1824Val)

Gene: TNXB (tenascin XB; minus strand). Cytogenetic location: 6p21.33.
Variant type: single nucleotide variant.
Coding change: c.5471G>T on transcript NM_001365276.2 (MANE Select); coding-DNA position 5471, G replaced by T.
Protein change: p.Gly1824Val; replaces glycine 1824 with valine.
Molecular consequence: missense variant.
Genome position (GRCh38, 1-based): chr6:32,069,669, C>A on the plus strand (G>T on the coding strand, the complement: TNXB is on the minus strand). VCF-style: chr6-32069669-C-A. GRCh37 (hg19) VCF-style: chr6-32037446-C-A.
Other names: c.5471G>T, p.Gly1824Val (NM_019105.8); c.6212G>T, p.Gly2071Val (NM_001428335.1); short protein forms G1824V, G2071V.
Identifiers: ClinVar variation 3971975 (VCV003971975.6).
Genomic context (GRCh38, chr6:32,069,669, plus strand): 5'-AGCAGCAGCTTGTACCTGTGGGCAGGGTCCAGGCCCGGCACGCTGACCTCCCTGAGGCTG[C>A]CCTCCACGGGCACCACCTGGGGCTGCCCGTCCCTGTCTTTGTACTGGACCACAAAGGAGT-3'
Protein context (NP_001352205.1, residues 1814-1834): DGQPQVVPVE[Gly1824Val]SLREVSVPGL